The following is an entry in ClinVar:

NM_005495.3(SLC17A4):c.37G>T (p.Asp13Tyr)

Genes: SLC17A4 (solute carrier family 17 member 4; plus strand), SLC17A1 (solute carrier family 17 member 1; minus strand). Cytogenetic location: 6p22.2.
Variant type: single nucleotide variant.
Coding change: c.37G>T on transcript NM_005495.3 (MANE Select); coding-DNA position 37, G replaced by T.
Protein change: p.Asp13Tyr; replaces aspartic acid 13 with tyrosine.
Molecular consequence: missense variant. On other transcripts: 5 prime UTR variant (1).
Genome position (GRCh38, 1-based): chr6:25,761,999, G>T. VCF-style: chr6-25761999-G-T. GRCh37 (hg19) VCF-style: chr6-25762227-G-T.
Other names: c.-226G>T (NM_001286121.1); short protein forms D13Y.
Identifiers: ClinVar variation 2352092 (VCV002352092.26), dbSNP rs143424660, ClinGen allele CA3661969.

ClinVar aggregate classification (germline): Conflicting classifications of pathogenicity. Review status: criteria provided, conflicting classifications (1 of 4 stars). 2 submissions from 2 submitters: Uncertain significance (1); Benign (1). Last evaluated 2022-07-01.

Allele frequency attached by ClinVar (database versions not stated): 1000 Genomes Project 30x 0.00016; ExAC 0.00049; gnomAD exomes 0.00050; gnomAD 0.00055; TOPMed 0.00090.
gnomAD v4.1: 844 of 1,613,886 alleles (0.052%); highest among the groups gnomAD compares: Middle Eastern, 0.23%; 2 homozygotes.

Submissions (2):

CeGaT Center for Human Genetics Tuebingen
Classification: Benign. Last evaluated: 2022-07-01. Review status: criteria provided, single submitter. Criteria: CeGaT Center For Human Genetics Tuebingen Variant Classification Criteria Version 2. Collection method: clinical testing. Allele origin: germline. Affected: yes. Observed: 1 variant allele.
Comment: SLC17A4: BP4, BS1, BS2

Ambry Genetics
Classification: Uncertain significance. Last evaluated: 2021-08-02. Review status: criteria provided, single submitter. Criteria: Ambry Variant Classification Scheme 2023. Collection method: clinical testing. Allele origin: germline.